The following is an entry in ClinVar:

NM_006922.4(SCN3A):c.44G>A (p.Arg15His)

Gene: SCN3A (sodium voltage-gated channel alpha subunit 3; minus strand). Cytogenetic location: 2q24.3.
Variant type: single nucleotide variant.
Coding change: c.44G>A on transcript NM_006922.4 (MANE Select); coding-DNA position 44, G replaced by A.
Protein change: p.Arg15His; replaces arginine 15 with histidine.
Molecular consequence: missense variant.
Genome position (GRCh38, 1-based): chr2:165,176,351, C>T on the plus strand (G>A on the coding strand, the complement: SCN3A is on the minus strand). VCF-style: chr2-165176351-C-T. GRCh37 (hg19) VCF-style: chr2-166032861-C-T.
Other names: c.44G>A, p.Arg15His (NM_001081676.2, NM_001081677.2); short protein forms R15H.
Identifiers: ClinVar variation 586502 (VCV000586502.38), dbSNP rs139769668, ClinGen allele CA1939510.

ClinVar aggregate classification (germline): Conflicting classifications of pathogenicity. Review status: criteria provided, conflicting classifications (1 of 4 stars). 4 submissions from 4 submitters: Uncertain significance (1); Benign (1); Likely benign (2). Last evaluated 2026-01-28.

Allele frequency attached by ClinVar (database versions not stated): gnomAD 0.00058 and 0.00064; 1000 Genomes Project 0.00060; 1000 Genomes Project 30x 0.00062; TOPMed 0.00075; ESP Exome Variant Server 0.00100.
gnomAD v4.1: 257 of 1,613,996 alleles (0.016%); highest among the groups gnomAD compares: African/African-American, 0.18%; 1 homozygote.

Submissions (4):

Labcorp Genetics (formerly Invitae), Labcorp
Classification: Likely benign. Last evaluated: 2026-01-28. Review status: criteria provided, single submitter. Criteria: Invitae Variant Classification Sherloc (09022015). Collection method: clinical testing. Allele origin: germline.

Blueprint Genetics
Classification: Likely benign. Last evaluated: 2024-10-04. Review status: criteria provided, single submitter. Criteria: ACMG Guidelines, 2015. Collection method: clinical testing. Allele origin: germline.

CeGaT Center for Human Genetics Tuebingen
Classification: Benign. Last evaluated: 2022-04-01. Review status: criteria provided, single submitter. Criteria: CeGaT Center For Human Genetics Tuebingen Variant Classification Criteria Version 2. Collection method: clinical testing. Allele origin: germline. Affected: yes. Observed: 1 variant allele.
Comment: SCN3A: BS1, BS2

Athena Diagnostics
Classification: Uncertain significance. Last evaluated: 2018-04-13. Review status: criteria provided, single submitter. Criteria: Athena Diagnostics Criteria. Collection method: clinical testing. Allele origin: germline.

Literature cited by the submitters: PubMed 22581653 (cited by Athena Diagnostics).